The following is an entry in ClinVar:

NM_001018005.2(TPM1):c.814G>A (p.Glu272Lys)

Gene: TPM1 (tropomyosin 1; plus strand). Cytogenetic location: 15q22.2.
Variant type: single nucleotide variant.
Coding change: c.814G>A on transcript NM_001018005.2 (MANE Select); coding-DNA position 814, G replaced by A.
Protein change: p.Glu272Lys; replaces glutamic acid 272 with lysine.
Molecular consequence: missense variant. On other transcripts: intron variant (12).
Genome position (GRCh38, 1-based): chr15:63,064,105, G>A. VCF-style: chr15-63064105-G-A. GRCh37 (hg19) VCF-style: chr15-63356304-G-A.
Other names: c.814G>A, p.Glu272Lys (NM_000366.6, NM_001301244.2, NM_001365779.1); c.706G>A, p.Glu236Lys (NM_001330346.2, NM_001365781.2, NM_001365782.1); c.898+1460G>A (NM_001365778.1); c.772+1460G>A (NM_001018020.2, NM_001018007.2, NM_001018006.2 and 3 more transcripts); c.664+1460G>A (NM_001330351.2, NM_001330344.2, NM_001018008.2 and 2 more transcripts); short protein forms E272K, E236K.
Identifiers: ClinVar variation 645268 (VCV000645268.14), dbSNP rs755226348, ClinGen allele CA032130.
Genomic context (GRCh38, chr15:63,064,105, plus strand): 5'-TTCCACTTCCTGGTCATAGACGAGCTGTACGCTCAGAAACTGAAGTACAAAGCCATCAGC[G>A]AGGAGCTGGACCACGCTCTCAACGATATGACTTCCATGTAAACGTTCATCCACTCTGCCT-3'
Protein context (NP_001018005.1, residues 262-282): AQKLKYKAIS[Glu272Lys]ELDHALNDMT

ClinVar aggregate classification (germline): Uncertain significance. Review status: criteria provided, multiple submitters, no conflicts (2 of 4 stars). 4 submissions from 4 submitters: Uncertain significance (4). Last evaluated 2026-03-24.

Conditions:
Hypertrophic cardiomyopathy. Also called: HYPERTROPHIC MYOCARDIOPATHY. Identifiers: Orphanet 217569, MedGen C0007194, MeSH D002312, MONDO:0005045, HP:0001639.
Cardiovascular phenotype. Identifiers: MedGen CN230736.

Allele frequency attached by ClinVar (database versions not stated): gnomAD exomes below 0.00001 and 0.00001; gnomAD 0.00001; ExAC 0.00002; TOPMed 0.00002.
gnomAD v4.1: 3 of 1,614,002 alleles (0.00019%); highest among the groups gnomAD compares: African/African-American, 0.0027%; no homozygotes.

Submissions (4):

Dasa
Classification: Uncertain significance. Last evaluated: 2026-03-24. Review status: criteria provided, single submitter. Criteria: DASA Assertion Criteria. Collection method: clinical testing. Allele origin: germline.
Comment: NM_001018005.2(TPM1):c.814G>A (p.Glu272Lys) is a missense variant that results in the substitution of glutamic acid with lysine. This variant is rare in population databases. The currently available literature and clinical evidence are not sufficient to establish a definitive association between this variant and the reported condition. Therefore, this variant is classified as a variant of uncertain significance.

Labcorp Genetics (formerly Invitae), Labcorp
Classification: Uncertain significance for Hypertrophic cardiomyopathy. Last evaluated: 2025-11-18. Review status: criteria provided, single submitter. Criteria: Invitae Variant Classification Sherloc (09022015). Collection method: clinical testing. Allele origin: germline.
Comment: This sequence change replaces glutamic acid, which is acidic and polar, with lysine, which is basic and polar, at codon 272 of the TPM1 protein (p.Glu272Lys). This variant is present in population databases (rs755226348, gnomAD 0.007%). This missense change has been observed in individual(s) with dilated cardiomyopathy (PMID: 38836950). ClinVar contains an entry for this variant (Variation ID: 645268). An algorithm developed to predict the effect of missense changes on protein structure and function (PolyPhen-2) suggests that this variant is likely to be tolerated. In summary, the available evidence is currently insufficient to determine the role of this variant in disease. Therefore, it has been classified as a Variant of Uncertain Significance.

Ambry Genetics
Classification: Uncertain significance for Cardiovascular phenotype. Last evaluated: 2024-09-03. Review status: criteria provided, single submitter. Criteria: Ambry Variant Classification Scheme 2023. Collection method: clinical testing. Allele origin: germline.
Comment: The p.E272K variant (also known as c.814G>A), located in coding exon 9 of the TPM1 gene, results from a G to A substitution at nucleotide position 814. The glutamic acid at codon 272 is replaced by lysine, an amino acid with similar properties. This variant has been reported in the Jackson Heart Study cohort; however, clinical details were limited (Bick AG et al. Am J Hum Genet, 2012 Sep;91:513-9). This variant has been reported in a hypertrophic cardiomyopathy (HCM) cohort (Azimi A et al. ESC Heart Fail, 2024 Jun;:). This variant was also reported in a child who succumbed to cardiac disease who also had variants in another cardiac-related gene (Mileti AI et al. Wien Med Wochenschr, 2024 Sep;174:213-216). This amino acid position is conserved. In addition, the in silico prediction for this alteration is inconclusive. Since supporting evidence is limited at this time, the clinical significance of this alteration remains unclear.

Blueprint Genetics
Classification: Uncertain significance. Last evaluated: 2023-10-13. Review status: criteria provided, single submitter. Criteria: ACMG Guidelines, 2015. Collection method: clinical testing. Allele origin: germline.

Literature cited by the submitters: PubMed 38836950 (cited by Labcorp Genetics (formerly Invitae), Labcorp and Ambry Genetics); PubMed 22958901 (cited by Ambry Genetics); PubMed 38874371 (cited by Ambry Genetics).